The following is an entry in ClinVar:

ClinVar aggregate classification (germline): Uncertain significance (1 of 4 stars; one submission).

Conditions:
Hereditary cancer-predisposing syndrome. Also called: Neoplastic Syndromes, Hereditary; Tumor predisposition; Hereditary Cancer Syndrome; Hereditary neoplastic syndrome. Identifiers: Orphanet 140162, MedGen C0027672, MeSH D009386, MONDO:0015356.

Submission:

Ambry Genetics
Classification: Uncertain significance for Hereditary cancer-predisposing syndrome. Last evaluated: 2025-10-06. Review status: criteria provided, single submitter. Criteria: Ambry Variant Classification Scheme 2023. Collection method: clinical testing. Allele origin: germline.
Comment: The p.K1207N variant (also known as c.3621A>T), located in coding exon 15 of the APC gene, results from an A to T substitution at nucleotide position 3621. The lysine at codon 1207 is replaced by asparagine, an amino acid with similar properties. This amino acid position is conserved. In addition, in silico predictors for this gene do not accurately predict pathogenicity. Based on the available evidence, the clinical significance of this variant remains unclear.

NM_000038.6(APC):c.3621A>T (p.Lys1207Asn)

Gene: APC (APC regulator of Wnt signaling pathway; plus strand). Cytogenetic location: 5q22.2.
Variant type: single nucleotide variant.
Coding change: c.3621A>T on transcript NM_000038.6 (MANE Select); coding-DNA position 3621, A replaced by T.
Protein change: p.Lys1207Asn; replaces lysine 1207 with asparagine.
Molecular consequence: missense variant. On other transcripts: non-coding transcript variant (2).
Genome position (GRCh38, 1-based): chr5:112,839,215, A>T. VCF-style: chr5-112839215-A-T. GRCh37 (hg19) VCF-style: chr5-112174912-A-T.
Other names: c.3621A>T, p.Lys1207Asn (NM_001127510.3, NM_001354895.2, NM_001407450.1); c.3567A>T, p.Lys1189Asn (NM_001127511.3); c.3675A>T, p.Lys1225Asn (NM_001354896.2, NM_001407447.1, NM_001407448.1 and 1 more transcripts); c.3651A>T, p.Lys1217Asn (NM_001354897.2); c.3546A>T, p.Lys1182Asn (NM_001354898.2); c.3537A>T, p.Lys1179Asn (NM_001354899.2); c.3498A>T, p.Lys1166Asn (NM_001354900.2); c.3444A>T, p.Lys1148Asn (NM_001354901.2, NM_001407453.1); and 11 more; short protein forms K1081N, K1116N, K1148N, K1189N, K1200N, K1217N, K1225N, K1047N.
Identifiers: ClinVar variation 4580949 (VCV004580949.1).
Genomic context (GRCh38, chr5:112,839,215, plus strand): 5'-TCCTTCATCACAGAAACAGTCATTTTCATTCTCAAAGAGTTCATCTGGACAAAGCAGTAA[A>T]ACCGAACATATGTCTTCAAGCAGTGAGAATACGTCCACACCTTCATCTAATGCCAAGAGG-3'
Protein context (NP_000029.2, residues 1197-1217): FSKSSSGQSS[Lys1207Asn]TEHMSSSSEN